The following is an entry in ClinVar:

ClinVar aggregate classification (germline): Uncertain significance (1 of 4 stars; one submission).

Allele frequency attached by ClinVar (database versions not stated): gnomAD 0.00001.

Submission:

Labcorp Genetics (formerly Invitae), Labcorp
Classification: Uncertain significance. Last evaluated: 2022-08-19. Review status: criteria provided, single submitter. Criteria: Invitae Variant Classification Sherloc (09022015). Collection method: clinical testing. Allele origin: germline.
Comment: This sequence change replaces tyrosine, which is neutral and polar, with cysteine, which is neutral and slightly polar, at codon 429 of the AEBP1 protein (p.Tyr429Cys). This variant is present in population databases (rs755705997, gnomAD 0.003%). This variant has not been reported in the literature in individuals affected with AEBP1-related conditions. Algorithms developed to predict the effect of missense changes on protein structure and function are either unavailable or do not agree on the potential impact of this missense change (SIFT: "Deleterious"; PolyPhen-2: "Probably Damaging"; Align-GVGD: "Class C0"). In summary, the available evidence is currently insufficient to determine the role of this variant in disease. Therefore, it has been classified as a Variant of Uncertain Significance.

NM_001129.5(AEBP1):c.1286A>G (p.Tyr429Cys)

Gene: AEBP1 (AE binding protein 1; plus strand). Cytogenetic location: 7p13.
Variant type: single nucleotide variant.
Coding change: c.1286A>G on transcript NM_001129.5 (MANE Select); coding-DNA position 1286, A replaced by G.
Protein change: p.Tyr429Cys; replaces tyrosine 429 with cysteine.
Molecular consequence: missense variant.
Genome position (GRCh38, 1-based): chr7:44,110,232, A>G. VCF-style: chr7-44110232-A-G. GRCh37 (hg19) VCF-style: chr7-44149831-A-G.
Other names: short protein forms Y429C.
Identifiers: ClinVar variation 2037607 (VCV002037607.1), dbSNP rs755705997, ClinGen allele CA4237844.